The following is an entry in ClinVar:

ClinVar aggregate classification (germline): Likely benign. Review status: criteria provided, multiple submitters, no conflicts (2 of 4 stars). 2 submissions from 2 submitters: Likely benign (2). Last evaluated 2025-09-01.

Conditions:
Bethlem myopathy 1A. Also called: Bethlem Muscular Dystrophy; MYOPATHY, BENIGN CONGENITAL, WITH CONTRACTURES; Bethlem myopathy 1. Identifiers: Orphanet 610, MedGen CN029274, MONDO:0024530, OMIM 158810.

gnomAD v4.1: 96 of 1,613,072 alleles (0.006%); highest among the groups gnomAD compares: Non-Finnish European, 0.0075%; no homozygotes.

Submissions (2):

CeGaT Center for Human Genetics Tuebingen
Classification: Likely benign. Last evaluated: 2025-09-01. Review status: criteria provided, single submitter. Criteria: CeGaT Center For Human Genetics Tuebingen Variant Classification Criteria Version 2. Collection method: clinical testing. Allele origin: germline. Affected: yes. Observed: 1 variant allele.
Comment: COL6A2: BP4, BP7

Labcorp Genetics (formerly Invitae), Labcorp
Classification: Likely benign for Bethlem myopathy 1A. Last evaluated: 2024-09-15. Review status: criteria provided, single submitter. Criteria: Invitae Variant Classification Sherloc (09022015). Collection method: clinical testing. Allele origin: germline.

NM_001849.4(COL6A2):c.225G>A (p.Pro75=)

Gene: COL6A2 (collagen type VI alpha 2 chain; plus strand). Cytogenetic location: 21q22.3.
Variant type: single nucleotide variant.
Coding change: c.225G>A on transcript NM_001849.4 (MANE Select); coding-DNA position 225, G replaced by A.
Protein change: p.Pro75=; no amino-acid change (proline 75 retained).
Molecular consequence: synonymous variant.
Genome position (GRCh38, 1-based): chr21:46,112,088, G>A. VCF-style: chr21-46112088-G-A. GRCh37 (hg19) VCF-style: chr21-47532002-G-A.
Other names: c.225G>A, p.Pro75= (NM_058174.3, NM_058175.3).
Identifiers: ClinVar variation 2726306 (VCV002726306.10), dbSNP rs143678454, ClinGen allele CA10071240.
Genomic context (GRCh38, chr21:46,112,088, plus strand): 5'-GAGCGTCACCATGCAGTCCCCCACGGACATCCTGCTCTTCCACATGAAGCAGTTCGTGCC[G>A]CAGTTCATCAGCCAGCTGCAGAACGAGTTCTACCTGGACCAGGTGGCGCTGAGCTGGCGC-3'
Protein context (NP_001840.3, residues 65-85): ILLFHMKQFV[Pro75=]QFISQLQNEF